The following is an entry in ClinVar:

ClinVar aggregate classification (germline): Uncertain significance (1 of 4 stars; one submission).

Conditions:
Polycystic kidney disease, adult type (PKD1). Also called: Polycystic Kidney Disease 1, Autosomal Dominant; Polycystic kidney disease 1; Polycystic kidney disease 1, severe; POLYCYSTIC KIDNEY DISEASE 1 WITH OR WITHOUT POLYCYSTIC LIVER DISEASE; POLYCYSTIC KIDNEY DISEASE, ADULT, TYPE I; Polycystic Kidney, Autosomal Dominant. Identifiers: MedGen C3149841, MONDO:0008263, OMIM 173900.

Submission:

Victorian Clinical Genetics Services, Murdoch Childrens Research Institute
Classification: Uncertain significance for Polycystic kidney disease, adult type. Last evaluated: 2023-12-21. Review status: criteria provided, single submitter. Criteria: ACMG Guidelines, 2015. Collection method: clinical testing. Allele origin: germline. Inheritance: Autosomal dominant inheritance. Affected: yes.
Comment: Based on the classification scheme VCGS_Germline_v1.3.4, this variant is classified as VUS-3B. Following criteria are met: 0102 - Loss of function is a known mechanism of disease in this gene and is associated with polycystic kidney disease 1 (MIM#173900). (I) 0107 - This gene is associated with autosomal dominant disease. Polycystic kidney disease 1 (MIM#173900) is predominantly caused by monoallelic variants, with rare reports of biallelic variants causing disease (OMIM). (I) 0216 - In-frame deletion in a non-repetitive region that has low conservation. (SP) 0251 - This variant is heterozygous. (I) 0301 - Variant is absent from gnomAD (both v2 and v3). (SP) 0309 - Multiple amino acid changes at the same same residues deleted by this variant have been observed in gnomAD (v3) (highest allele count: 9 heterozygotes, 0 homozygotes). (I) 0604 - Variant is not located in an established domain, motif, hotspot or informative constraint region. (I) 0710 - Several missense variants at the residues deleted by this variant have inconclusive previous evidence for pathogenicity. p.(Leu13Val) and p.(Leu13Pro) have been classified as VUS by clinical laboratories in ClinVar, and p.(Leu13Gln) has been observed in an individual with ADPKD (PMID: 11115377). (I) 0807 - This variant has no previous evidence of pathogenicity. (I) 0905 - No published segregation evidence has been identified for this variant. (I) 1007 - No published functional evidence has been identified for this variant. (I) 1208 - Inheritance information for this variant is not currently available in this individual. (I) Legend: (SP) - Supporting pathogenic, (I) - Information, (SB) - Supporting benign

Literature cited by the submitters: PubMed 11115377.

NM_001009944.3(PKD1):c.29_40del (p.Ala10_Leu13del)

Gene: PKD1 (polycystin 1, transient receptor potential channel interacting; minus strand). Cytogenetic location: 16p13.3.
Variant type: Deletion.
Coding change: c.29_40del on transcript NM_001009944.3 (MANE Select); coding-DNA positions 29 to 40, 12 bases deleted (CGCTGGCCCTGG).
Protein change: p.Ala10_Leu13del.
Molecular consequence: inframe deletion. On other transcripts: inframe indel (1).
Genome position (GRCh38, 1-based): chr16:2,135,650-2,135,661, CCAGGGCCAGCG deleted on the plus strand (CGCTGGCCCTGG on the coding strand, the reverse complement: PKD1 is on the minus strand); deleting any 12 consecutive bases within chr16:2,135,650-2,135,666 gives the same sequence; the c. name uses the placement nearest the transcript's 3' end. VCF-style (leftmost placement, unchanged base first): chr16-2135649-CCCAGGGCCAGCG-C. GRCh37 (hg19) VCF-style: chr16-2185650-CCCAGGGCCAGCG-C.
Other names: c.29_40del, p.Ala10_Leu13del (NM_000296.4); c.24_35delCCTGGCGCTGGC, p.Ala10_Leu13del (NM_001009944.2).
Identifiers: ClinVar variation 3254907 (VCV003254907.1), dbSNP rs2544960691.